The following is an entry in ClinVar:

ClinVar aggregate classification (germline): Uncertain significance. Review status: criteria provided, multiple submitters, no conflicts (2 of 4 stars). 3 submissions from 3 submitters: Uncertain significance (3). Last evaluated 2024-12-31.

Conditions:
GEMIN4-related disorder. Also called: GEMIN4-related condition.
Neurodevelopmental disorder with microcephaly, cataracts, and renal abnormalities. Identifiers: MedGen C4693567, MONDO:0060664, OMIM 617913.

Allele frequency attached by ClinVar (database versions not stated): gnomAD 0.00004 and 0.00007; TOPMed 0.00006; gnomAD exomes 0.00010 and 0.00011; ExAC 0.00015; 1000 Genomes Project 30x 0.00047; 1000 Genomes Project 0.00060.
gnomAD v4.1: 160 of 1,613,940 alleles (0.0099%); highest among the groups gnomAD compares: Middle Eastern, 0.099%; 1 homozygote.

Submissions (3):

PreventionGenetics, part of Exact Sciences
Classification: Uncertain significance for GEMIN4-related condition. Last evaluated: 2024-12-31. Review status: criteria provided, single submitter. Criteria: ACMG Guidelines, 2015. Collection method: clinical testing. Allele origin: germline.
Comment: The GEMIN4 c.3094C>T variant is predicted to result in premature protein termination (p.Gln1032*). This variant truncates the final ~27 amino acids and is located in the final exon of GEMIN4. Therefore, this variant is not predicted to undergo nonsense mediated decay. To our knowledge, this variant has not been reported in the literature and no other premature protein termination variants in this gene have been reported in patients. This variant is reported in 0.069% of alleles in individuals of South Asian descent in gnomAD. At this time, the clinical significance of this variant is uncertain due to the absence of conclusive functional and genetic evidence.

Revvity Omics, Revvity
Classification: Uncertain significance for Neurodevelopmental disorder with microcephaly, cataracts, and renal abnormalities. Last evaluated: 2020-11-20. Review status: criteria provided, single submitter. Criteria: ACMG Guidelines, 2015. Collection method: clinical testing. Allele origin: germline.

Genomic Research Center, Shahid Beheshti University of Medical Sciences
Classification: Uncertain significance for NEURODEVELOPMENTAL DISORDER WITH MICROCEPHALY, CATARACTS, AND RENAL ABNORMALITIES. Last evaluated: 2019-04-27. Review status: criteria provided, single submitter. Criteria: ACMG Guidelines, 2015. Collection method: clinical testing. Allele origin: inherited. Affected: yes.

NM_015721.3(GEMIN4):c.3094C>T (p.Gln1032Ter)

Gene: GEMIN4 (gem nuclear organelle associated protein 4; minus strand). Cytogenetic location: 17p13.3.
Variant type: single nucleotide variant.
Coding change: c.3094C>T on transcript NM_015721.3 (MANE Select); coding-DNA position 3094, C replaced by T.
Protein change: p.Gln1032Ter; replaces glutamine 1032 with a stop codon.
Molecular consequence: nonsense.
Genome position (GRCh38, 1-based): chr17:744,949, G>A on the plus strand (C>T on the coding strand, the complement: GEMIN4 is on the minus strand). VCF-style: chr17-744949-G-A. GRCh37 (hg19) VCF-style: chr17-648189-G-A.
Other names: c.3094C>T (NM_015721.2); short protein forms Q1032*.
Identifiers: ClinVar variation 638472 (VCV000638472.7), dbSNP rs574891003, ClinGen allele CA8262299.